The following is an entry in ClinVar:

ClinVar aggregate classification (germline): Pathogenic (1 of 4 stars; one submission).

Conditions:
Chromosome 16p11.2 duplication syndrome. Identifiers: Orphanet 370079, MedGen C3553407, MONDO:0013847, OMIM 614671.

Submission:

New York Genome Center
Classification: Pathogenic for Chromosome 16p11.2 duplication syndrome. Last evaluated: 2023-04-27. Review status: criteria provided, single submitter. Criteria: NYGC Assertion Criteria 2020. Collection method: clinical testing. Allele origin: de novo. Observed: 1 variant allele.
Comment: This ~613kb duplication observed here completely overlaps with '16p11.2 recurrent region (proximal, BP4-BP5) (includes TBX6)', which has been curated by ClinGen to have “sufficient evidence for triplosensitivity”. 16p11.2 duplications similar to the one identified here have been previously reported in multiple individuals in the literature with neurodevelopmental and neuropsychiatric disorders, including autism spectrum disorder, intellectual disability, epilepsy. Phenotypic variability and incomplete penetrance have been observed [PMID: 18184952, 19755429, 27207092, 21731881, 27410714]. Similar overlapping 16p11.2 duplications have been deposited in ClinVar as Pathogenic [ClinVar IDs: 60465, 545201, 155297]. Based on available evidence this ~613kb apparently de novo duplication at 16p11.2 is classified as Pathogenic.

GRCh38/hg38 16p11.2(chr16:29574823-30188529)x3

Genes: ALDOA (aldolase, fructose-bisphosphate A; plus strand), ASPHD1 (aspartate beta-hydroxylase domain containing 1; plus strand), BOLA2B (bolA family member 2B; minus strand), C16orf54 (chromosome 16 open reading frame 54; minus strand), CDIPT (CDP-diacylglycerol--inositol 3-phosphatidyltransferase; minus strand) and 112 more. Cytogenetic location: 16p11.2.
Variant type: copy number gain.
Change: copy number 3 (three copies instead of two) of chr16:29,574,823-30,188,529 (613.7 kb, GRCh38 coordinates, 1-based), cytogenetic band 16p11.2.
Identifiers: ClinVar variation 4888387 (VCV004888387.1).